The following is an entry in ClinVar:

NM_001164508.2(NEB):c.1526del (p.Pro509fs)

Gene: NEB (nebulin; minus strand). Cytogenetic location: 2q23.3.
Variant type: Deletion.
Coding change: c.1526del on transcript NM_001164508.2 (MANE Select); coding-DNA position 1526, one base deleted (C; older notation c.1526delC).
Protein change: p.Pro509fs; shifts the reading frame from proline 509.
Molecular consequence: frameshift variant.
Genome position (GRCh38, 1-based): chr2:151,696,680, G deleted on the plus strand (C on the coding strand, the reverse complement: NEB is on the minus strand); the first of 2 consecutive G bases (chr2:151,696,680-151,696,681); deleting either gives the same sequence. VCF-style (leftmost placement, unchanged base first): chr2-151696679-AG-A. GRCh37 (hg19) VCF-style: chr2-152553193-AG-A.
Other names: c.1526del, p.Pro509fs (NM_001164507.2, NM_001271208.2, NM_004543.5); c.1526del (NM_001271208.1); short protein forms P509fs.
Identifiers: ClinVar variation 1452031 (VCV001452031.7), dbSNP rs1181351466, ClinGen allele CA758902800.

ClinVar aggregate classification (germline): Pathogenic/Likely pathogenic. Review status: criteria provided, multiple submitters, no conflicts (2 of 4 stars). 2 submissions from 2 submitters: Pathogenic (1); Likely pathogenic (1). Last evaluated 2023-07-11.

Conditions:
Nemaline myopathy 2 (NEM2). Also called: Nemaline myopathy 2, autosomal recessive. Identifiers: MedGen C1850569, MONDO:0009725, OMIM 256030.
Arthrogryposis multiplex congenita 6. Identifiers: MedGen C5543431, MONDO:0030281, OMIM 619334.

Submissions (2):

Baylor Genetics
Classification: Likely pathogenic for Arthrogryposis multiplex congenita 6. Last evaluated: 2023-07-11. Review status: criteria provided, single submitter. Criteria: ACMG Guidelines, 2015. Collection method: clinical testing. Allele origin: unknown.

Labcorp Genetics (formerly Invitae), Labcorp
Classification: Pathogenic for Nemaline myopathy 2. Last evaluated: 2023-01-26. Review status: criteria provided, single submitter. Criteria: Invitae Variant Classification Sherloc (09022015). Collection method: clinical testing. Allele origin: germline.
Comment: For these reasons, this variant has been classified as Pathogenic. ClinVar contains an entry for this variant (Variation ID: 1452031). This variant has not been reported in the literature in individuals affected with NEB-related conditions. This variant is not present in population databases (gnomAD no frequency). This sequence change creates a premature translational stop signal (p.Pro509Leufs*13) in the NEB gene. It is expected to result in an absent or disrupted protein product. Loss-of-function variants in NEB are known to be pathogenic (PMID: 25205138).

Literature cited by the submitters: PubMed 25205138 (cited by Labcorp Genetics (formerly Invitae), Labcorp).